The following is an entry in ClinVar:

ClinVar aggregate classification (germline): Pathogenic/Likely pathogenic. Review status: criteria provided, multiple submitters, no conflicts (2 of 4 stars). 2 submissions from 2 submitters: Pathogenic (1); Likely pathogenic (1). Last evaluated 2025-06-30.

Conditions:
Walker-Warburg congenital muscular dystrophy. Also called: Walker-Warburg syndrome; Muscular dystrophy-dystroglycanopathy, type A. Identifiers: Orphanet 899, MedGen C0265221, MONDO:0000171.
Autosomal recessive limb-girdle muscular dystrophy type 2I. Also called: MUSCULAR DYSTROPHY-DYSTROGLYCANOPATHY, LIMB-GIRDLE, FRKP-RELATED; MUSCULAR DYSTROPHY-DYSTROGLYCANOPATHY (LIMB-GIRDLE), TYPE C, 5; MUSCULAR DYSTROPHY, LIMB-GIRDLE, TYPE 2I. Identifiers: Orphanet 34515, MedGen C1846672, MONDO:0011787, OMIM 607155.

Allele frequency attached by ClinVar (database versions not stated): ExAC 0.00002; gnomAD exomes 0.00002; gnomAD 0.00005.
gnomAD v4.1: 19 of 1,612,354 alleles (0.0012%); highest among the groups gnomAD compares: Non-Finnish European, 0.000085%; no homozygotes.

Submissions (2):

Natera, Inc.
Classification: Likely pathogenic for Limb-girdle muscular dystrophy type 2I. Last evaluated: 2025-06-30. Review status: criteria provided, single submitter. Criteria: Natera Variant Classification Schema (03/2026). Collection method: clinical testing. Allele origin: germline.
Comment: The c.1253G>A variant in FKRP is a nonsense variant predicted to introduce a stop codon at amino acid 418. This variant is expected to result in nonsense mediated decay, truncation, or a dysfunctional protein product. This variant is rare in the general population with a frequency below the threshold expected for the associated phenotype(s). Given the available evidence, this variant is classified as Likely Pathogenic.

Labcorp Genetics (formerly Invitae), Labcorp
Classification: Pathogenic for Walker-Warburg congenital muscular dystrophy. Last evaluated: 2021-08-28. Review status: criteria provided, single submitter. Criteria: Invitae Variant Classification Sherloc (09022015). Collection method: clinical testing. Allele origin: germline.
Comment: This sequence change creates a premature translational stop signal (p.Trp418*) in the FKRP gene. While this is not anticipated to result in nonsense mediated decay, it is expected to disrupt the last 78 amino acid(s) of the FKRP protein. This variant is present in population databases (rs746533953, ExAC 0.02%). This premature translational stop signal has been observed in individual(s) with clinical features of FKRP-related conditions (PMID: 30919934). Algorithms developed to predict the effect of sequence changes on RNA splicing suggest that this variant may create or strengthen a splice site. This variant disrupts a region of the FKRP protein in which other variant(s) (p.Q460*) have been determined to be pathogenic (PMID: 16476814; Invitae). This suggests that this is a clinically significant region of the protein, and that variants that disrupt it are likely to be disease-causing. For these reasons, this variant has been classified as Pathogenic.

Literature cited by the submitters: PubMed 30919934 (cited by Labcorp Genetics (formerly Invitae), Labcorp); PubMed 16476814 (cited by Labcorp Genetics (formerly Invitae), Labcorp).

NM_024301.5(FKRP):c.1253G>A (p.Trp418Ter)

Gene: FKRP (fukutin related protein; plus strand). Cytogenetic location: 19q13.32.
Variant type: single nucleotide variant.
Coding change: c.1253G>A on transcript NM_024301.5 (MANE Select); coding-DNA position 1253, G replaced by A.
Protein change: p.Trp418Ter; replaces tryptophan 418 with a stop codon.
Molecular consequence: nonsense.
Genome position (GRCh38, 1-based): chr19:46,756,703, G>A. VCF-style: chr19-46756703-G-A. GRCh37 (hg19) VCF-style: chr19-47259960-G-A.
Other names: c.1253G>A, p.Trp418Ter (NM_001039885.3); c.1253G>A (NM_024301.4); short protein forms W418*.
Identifiers: ClinVar variation 1452218 (VCV001452218.6), dbSNP rs746533953, ClinGen allele CA9532282.